The following is an entry in ClinVar:

ClinVar aggregate classification (germline): Benign (1 of 4 stars; one submission).

Conditions:
Blood group, I system (Ii). Identifiers: MedGen C0020717, OMIM 110800.

Allele frequency attached by ClinVar (database versions not stated): 1000 Genomes Project 0.03934; 1000 Genomes Project 30x 0.03998; gnomAD 0.04060; TOPMed 0.04267.

Submission:

Illumina Laboratory Services, Illumina
Classification: Benign for Blood group, I system. Last evaluated: 2018-01-13. Review status: criteria provided, single submitter. Criteria: ICSL Variant Classification Criteria 13 December 2019. Collection method: clinical testing. Allele origin: germline.
Comment: This variant was observed in the ICSL laboratory as part of a predisposition screen in an ostensibly healthy population. It had not been previously curated by ICSL or reported in the Human Gene Mutation Database (HGMD: prior to June 1st, 2018), and was therefore a candidate for classification through an automated scoring system. Utilizing variant allele frequency, disease prevalence and penetrance estimates, and inheritance mode, an automated score was calculated to assess if this variant is too frequent to cause the disease. Based on the score and internal cut-off values, a variant classified as benign is not then subjected to further curation. The score for this variant resulted in a classification of benign for this disease.

NM_145649.5(GCNT2):c.*2520C>A

Gene: GCNT2 (glucosaminyl (N-acetyl) transferase 2 (I blood group); plus strand). Cytogenetic location: 6p24.2.
Variant type: single nucleotide variant.
Coding change: c.*2520C>A on transcript NM_145649.5 (MANE Select); 2520 bases downstream of the stop codon, C replaced by A.
Molecular consequence: 3 prime UTR variant.
Genome position (GRCh38, 1-based): chr6:10,629,127, C>A. VCF-style: chr6-10629127-C-A. GRCh37 (hg19) VCF-style: chr6-10629360-C-A.
Other names: c.*2520C>A (NM_001374747.1, NM_001491.3, NM_145655.4).
Identifiers: ClinVar variation 354740 (VCV000354740.5), dbSNP rs9460952, ClinGen allele CA10622529.
Genomic context (GRCh38, chr6:10,629,127, plus strand): 5'-GTGGAGTTTAAAAATTGTCTCTTTTCAACTTATTTAAATGACAGCACCTGAGAAGAGGAA[C>A]CGTTTTACACTGGATGTTTCTCATGTAGAACAAGAAATCTTTCTGGAATTGATGTTTACA-3'